The following is an entry in ClinVar:

NM_152783.5(D2HGDH):c.257A>G (p.Gln86Arg)

Genes: D2HGDH (D-2-hydroxyglutarate dehydrogenase; plus strand), LOC129936033 (ATAC-STARR-seq lymphoblastoid active region 17430; plus strand). Cytogenetic location: 2q37.3.
Variant type: single nucleotide variant.
Coding change: c.257A>G on transcript NM_152783.5 (MANE Select); coding-DNA position 257, A replaced by G.
Protein change: p.Gln86Arg; replaces glutamine 86 with arginine.
Molecular consequence: missense variant. On other transcripts: 5 prime UTR variant (1), non-coding transcript variant (1), intron variant (1).
Genome position (GRCh38, 1-based): chr2:241,735,481, A>G. VCF-style: chr2-241735481-A-G. GRCh37 (hg19) VCF-style: chr2-242674896-A-G.
Other names: c.-288A>G (NM_001352824.2); c.-111+786A>G (NM_001287249.2); short protein forms Q86R.
Identifiers: ClinVar variation 1926376 (VCV001926376.6), dbSNP rs767449596, ClinGen allele CA2221558.

ClinVar aggregate classification (germline): Uncertain significance. Review status: criteria provided, multiple submitters, no conflicts (2 of 4 stars). 2 submissions from 2 submitters: Uncertain significance (2). Last evaluated 2024-01-22.

Conditions:
Inborn genetic diseases. Identifiers: MedGen C0950123, MeSH D030342.
D-2-hydroxyglutaric aciduria 1 (D2HGA1). Identifiers: Orphanet 79315, MedGen C3152055, MONDO:0024554, OMIM 600721.

Allele frequency attached by ClinVar (database versions not stated): ExAC 0.00001; gnomAD 0.00001; TOPMed 0.00001.
gnomAD v4.1: 47 of 1,608,602 alleles (0.0029%); highest among the groups gnomAD compares: Non-Finnish European, 0.0038%; no homozygotes.

Submissions (2):

Labcorp Genetics (formerly Invitae), Labcorp
Classification: Uncertain significance for D-2-hydroxyglutaric aciduria 1. Last evaluated: 2024-01-22. Review status: criteria provided, single submitter. Criteria: Invitae Variant Classification Sherloc (09022015). Collection method: clinical testing. Allele origin: germline.
Comment: This sequence change replaces glutamine, which is neutral and polar, with arginine, which is basic and polar, at codon 86 of the D2HGDH protein (p.Gln86Arg). The frequency data for this variant in the population databases is considered unreliable, as metrics indicate poor data quality at this position in the gnomAD database. This variant has not been reported in the literature in individuals affected with D2HGDH-related conditions. ClinVar contains an entry for this variant (Variation ID: 1926376). Advanced modeling of protein sequence and biophysical properties (such as structural, functional, and spatial information, amino acid conservation, physicochemical variation, residue mobility, and thermodynamic stability) performed at Invitae indicates that this missense variant is not expected to disrupt D2HGDH protein function with a negative predictive value of 80%. In summary, the available evidence is currently insufficient to determine the role of this variant in disease. Therefore, it has been classified as a Variant of Uncertain Significance.

Ambry Genetics
Classification: Uncertain significance for Inborn genetic diseases. Last evaluated: 2021-12-03. Review status: criteria provided, single submitter. Criteria: Ambry Variant Classification Scheme 2023. Collection method: clinical testing. Allele origin: germline.